The following is an entry in ClinVar:

NM_021625.5(TRPV4):c.2458G>T (p.Asp820Tyr)

Gene: TRPV4 (transient receptor potential cation channel subfamily V member 4; minus strand). Cytogenetic location: 12q24.11.
Variant type: single nucleotide variant.
Coding change: c.2458G>T on transcript NM_021625.5 (MANE Select); coding-DNA position 2458, G replaced by T.
Protein change: p.Asp820Tyr; replaces aspartic acid 820 with tyrosine.
Molecular consequence: missense variant.
Genome position (GRCh38, 1-based): chr12:109,784,316, C>A on the plus strand (G>T on the coding strand, the complement: TRPV4 is on the minus strand). VCF-style: chr12-109784316-C-A. GRCh37 (hg19) VCF-style: chr12-110222121-C-A.
Other names: c.2317G>T, p.Asp773Tyr (NM_001177428.2); c.2356G>T, p.Asp786Tyr (NM_001177431.2); c.2137G>T, p.Asp713Tyr (NM_001177433.2); c.2278G>T, p.Asp760Tyr (NM_147204.3); short protein forms D713Y, D760Y, D773Y, D786Y, D820Y.
Identifiers: ClinVar variation 994832 (VCV000994832.11), dbSNP rs768849310, ClinGen allele CA6779919.

ClinVar aggregate classification (germline): Uncertain significance. Review status: criteria provided, multiple submitters, no conflicts (2 of 4 stars). 3 submissions from 3 submitters: Uncertain significance (3). Last evaluated 2024-10-03.

Conditions:
Inborn genetic diseases. Identifiers: MedGen C0950123, MeSH D030342.
Charcot-Marie-Tooth disease axonal type 2C (HMSN2C). Also called: Charcot-Marie-Tooth Disease Type 2, TRPV4-Related (CMT2C); CHARCOT-MARIE-TOOTH DISEASE, AXONAL, AUTOSOMAL DOMINANT, TYPE 2C; Charcot-Marie-Tooth Neuropathy Type 2C. Identifiers: Orphanet 99937, MedGen C1853710, MONDO:0011633, OMIM 606071.

Allele frequency attached by ClinVar (database versions not stated): ExAC 0.00001; gnomAD 0.00001; gnomAD exomes 0.00001 and 0.00003; TOPMed 0.00001.
gnomAD v4.1: 39 of 1,614,036 alleles (0.0024%); highest among the groups gnomAD compares: Non-Finnish European, 0.0033%; no homozygotes.

Submissions (3):

Labcorp Genetics (formerly Invitae), Labcorp
Classification: Uncertain significance for Charcot-Marie-Tooth disease axonal type 2C. Last evaluated: 2024-10-03. Review status: criteria provided, single submitter. Criteria: Invitae Variant Classification Sherloc (09022015). Collection method: clinical testing. Allele origin: germline.
Comment: This sequence change replaces aspartic acid, which is acidic and polar, with tyrosine, which is neutral and polar, at codon 820 of the TRPV4 protein (p.Asp820Tyr). This variant also falls at the last nucleotide of exon 15, which is part of the consensus splice site for this exon. This variant is present in population databases (rs768849310, gnomAD 0.002%). This variant has not been reported in the literature in individuals affected with TRPV4-related conditions. ClinVar contains an entry for this variant (Variation ID: 994832). An algorithm developed to predict the effect of missense changes on protein structure and function (PolyPhen-2) suggests that this variant is likely to be disruptive. Variants that disrupt the consensus splice site are a relatively common cause of aberrant splicing (PMID: 17576681, 9536098). Algorithms developed to predict the effect of sequence changes on RNA splicing suggest that this variant may disrupt the consensus splice site. In summary, the available evidence is currently insufficient to determine the role of this variant in disease. Therefore, it has been classified as a Variant of Uncertain Significance.

Athena Diagnostics
Classification: Uncertain significance. Last evaluated: 2023-05-25. Review status: criteria provided, single submitter. Criteria: Athena Diagnostics Criteria. Collection method: clinical testing. Allele origin: unknown.
Comment: Available data are insufficient to determine the clinical significance of the variant at this time. The frequency of this variant in the general population is uninformative in assessment of its pathogenicity. Computational tools predict that this variant is damaging.

Ambry Genetics
Classification: Uncertain significance for Inborn genetic diseases. Last evaluated: 2020-06-18. Review status: criteria provided, single submitter. Criteria: Ambry Variant Classification Scheme 2023. Collection method: clinical testing. Allele origin: germline.
Comment: The c.2458G>T variant (also known as p.D820Y), located in coding exon 14 of the TRPV4 gene, results from a G to T substitution at nucleotide position 2458. The amino acid change results in aspartic acid to tyrosine at codon 820, an amino acid with highly dissimilar properties. However, this change occurs in the last base pair of coding exon 14, which makes it likely to have some effect on normal mRNA splicing. This amino acid position is highly conserved in available vertebrate species. In addition, this alteration is predicted to be deleterious by in silico analysis. Since supporting evidence is limited at this time, the clinical significance of this alteration remains unclear.

Literature cited by the submitters: PubMed 17576681 (cited by Labcorp Genetics (formerly Invitae), Labcorp); PubMed 9536098 (cited by Labcorp Genetics (formerly Invitae), Labcorp).